The following is an entry in ClinVar:

NM_001378743.1(CYLD):c.*47G>A

Genes: CYLD (CYLD lysine 63 deubiquitinase; plus strand), CYLD-AS2 (CYLD antisense RNA 2; minus strand). Cytogenetic location: 16q12.1.
Variant type: single nucleotide variant.
Coding change: c.*47G>A on transcript NM_001378743.1 (MANE Select); 47 bases downstream of the stop codon, G replaced by A.
Molecular consequence: 3 prime UTR variant. On other transcripts: non-coding transcript variant (1).
Genome position (GRCh38, 1-based): chr16:50,796,555, G>A. VCF-style: chr16-50796555-G-A. GRCh37 (hg19) VCF-style: chr16-50830466-G-A.
Other names: c.*47G>A (NM_001042355.2, NM_001042412.3, NM_001378744.1 and 12 more transcripts).
Identifiers: ClinVar variation 319510 (VCV000319510.5), dbSNP rs116979331, ClinGen allele CA8052740.

ClinVar aggregate classification (germline): Benign. Review status: criteria provided, single submitter (1 of 4 stars). 3 submissions from 1 submitter: Benign (3). Last evaluated 2018-01-12.

Conditions:
Familial multiple trichoepitheliomata. Also called: Familial multiple trichoepithelioma. Identifiers: Orphanet 79493, Orphanet 867, MedGen C1275122, MONDO:0011114.
Brooke-Spiegler syndrome. Also called: CYLD Cutaneous Syndrome. Identifiers: Orphanet 79493, MedGen C1857941, MONDO:0011512, OMIM 605041.
Familial cylindromatosis. Also called: Turban tumor syndrome; ANCELL-SPIEGLER CYLINDROMAS. Identifiers: Orphanet 211, Orphanet 79493, MedGen C1851526, MONDO:0007565, OMIM 132700.

Allele frequency attached by ClinVar (database versions not stated): 1000 Genomes Project 0.00100; 1000 Genomes Project 30x 0.00109; ExAC 0.00179; gnomAD exomes 0.00186 and 0.00304; gnomAD 0.00200 and 0.00210; TOPMed 0.00216; ESP Exome Variant Server 0.00293.
gnomAD v4.1: 4,687 of 1,585,016 alleles (0.3%); highest among the groups gnomAD compares: Non-Finnish European, 0.36%; 11 homozygotes.

Submissions (3):

Illumina Laboratory Services, Illumina
Classification: Benign for Familial cylindromatosis. Last evaluated: 2018-01-12. Review status: criteria provided, single submitter. Criteria: ICSL Variant Classification Criteria 13 December 2019. Collection method: clinical testing. Allele origin: germline.
Comment: This variant was observed in the ICSL laboratory as part of a predisposition screen in an ostensibly healthy population. It had not been previously curated by ICSL or reported in the Human Gene Mutation Database (HGMD: prior to June 1st, 2018), and was therefore a candidate for classification through an automated scoring system. Utilizing variant allele frequency, disease prevalence and penetrance estimates, and inheritance mode, an automated score was calculated to assess if this variant is too frequent to cause the disease. Based on the score and internal cut-off values, a variant classified as benign is not then subjected to further curation. The score for this variant resulted in a classification of benign for this disease.

Illumina Laboratory Services, Illumina
Classification: Benign for Trichoepithelioma, multiple familial, 1. Last evaluated: 2018-01-12. Review status: criteria provided, single submitter. Criteria: ICSL Variant Classification Criteria 13 December 2019. Collection method: clinical testing. Allele origin: germline.
Comment: the same text as in the submission from Illumina Laboratory Services, Illumina above.

Illumina Laboratory Services, Illumina
Classification: Benign for Brooke-Spiegler syndrome. Last evaluated: 2018-01-12. Review status: criteria provided, single submitter. Criteria: ICSL Variant Classification Criteria 13 December 2019. Collection method: clinical testing. Allele origin: germline.
Comment: the same text as in the submission from Illumina Laboratory Services, Illumina above.